The following is an entry in ClinVar:

NM_139276.3(STAT3):c.1464+6T>C

Gene: STAT3 (signal transducer and activator of transcription 3; minus strand). Cytogenetic location: 17q21.2.
Variant type: single nucleotide variant.
Coding change: c.1464+6T>C on transcript NM_139276.3 (MANE Select); 6 bases into the intron after coding-DNA position 1464, T replaced by C.
Molecular consequence: intron variant.
Genome position (GRCh38, 1-based): chr17:42,324,957, A>G on the plus strand (T>C on the coding strand, the complement: STAT3 is on the minus strand). VCF-style: chr17-42324957-A-G. GRCh37 (hg19) VCF-style: chr17-40476975-A-G.
Other names: c.1368+6T>C (NM_001384989.1); c.1404+6T>C (NM_001384992.1); c.1380+6T>C (NM_001384984.1); c.1464+6T>C (NM_001369519.1, NM_003150.4, NM_001369517.1 and 11 more transcripts); c.1386+6T>C (NM_001384985.1); c.1479+6T>C (NM_001384986.1, NM_001384990.1).
Identifiers: ClinVar variation 4784499 (VCV004784499.1).

ClinVar aggregate classification (germline): Uncertain significance (1 of 4 stars; one submission).

Conditions:
STAT3 gain of function. Identifiers: MedGen C4288261.
Hyper-IgE recurrent infection syndrome 1, autosomal dominant. Also called: JOB SYNDROME; Job's Syndrome; STAT3 Hyper IgE Syndrome; Hyper-IgE recurrent infection syndrome 1; HYPER-IgE SYNDROME 1, AUTOSOMAL DOMINANT, WITH RECURRENT INFECTIONS. Identifiers: Orphanet 2314, MedGen C2936739, MONDO:0007818, OMIM 147060.

gnomAD v4.1: 1 of 1,614,206 alleles (0.000062%); highest among the groups gnomAD compares: Non-Finnish European, 0.000085%; no homozygotes.

Submission:

Labcorp Genetics (formerly Invitae), Labcorp
Classification: Uncertain significance for STAT3 gain of function; Hyper-IgE recurrent infection syndrome 1, autosomal dominant. Last evaluated: 2025-03-24. Review status: criteria provided, single submitter. Criteria: Invitae Variant Classification Sherloc (09022015). Collection method: clinical testing. Allele origin: germline.
Comment: This sequence change falls in intron 16 of the STAT3 gene. It does not directly change the encoded amino acid sequence of the STAT3 protein. It affects a nucleotide within the consensus splice site. This variant is present in population databases (rs759021946, gnomAD 0.002%). This variant has not been reported in the literature in individuals affected with STAT3-related conditions. Variants that disrupt the consensus splice site are a relatively common cause of aberrant splicing (PMID: 17576681, 9536098). Algorithms developed to predict the effect of sequence changes on RNA splicing suggest that this variant is not likely to affect RNA splicing. In summary, the available evidence is currently insufficient to determine the role of this variant in disease. Therefore, it has been classified as a Variant of Uncertain Significance.

Literature cited by the submitters: PubMed 17576681; PubMed 9536098.